The following is an entry in ClinVar:

NM_031935.3(HMCN1):c.6239G>C (p.Arg2080Thr)

Gene: HMCN1 (hemicentin 1; plus strand). Cytogenetic location: 1q31.1.
Variant type: single nucleotide variant.
Coding change: c.6239G>C on transcript NM_031935.3 (MANE Select); coding-DNA position 6239, G replaced by C.
Protein change: p.Arg2080Thr; replaces arginine 2080 with threonine.
Molecular consequence: missense variant.
Genome position (GRCh38, 1-based): chr1:186,041,071, G>C. VCF-style: chr1-186041071-G-C. GRCh37 (hg19) VCF-style: chr1-186010203-G-C.
Other names: short protein forms R2080T.
Identifiers: ClinVar variation 294172 (VCV000294172.14), dbSNP rs199945360, ClinGen allele CA1292503.

ClinVar aggregate classification (germline): Uncertain significance. Review status: criteria provided, multiple submitters, no conflicts (2 of 4 stars). 4 submissions from 4 submitters: Uncertain significance (4). Last evaluated 2026-01-19.

Conditions:
Age related macular degeneration 1 (ARMD1). Also called: MACULOPATHY, AGE-RELATED, 1. Identifiers: MedGen C1864205, MONDO:0011285, OMIM 603075.

Allele frequency attached by ClinVar (database versions not stated): gnomAD 0.00009 and 0.00010; TOPMed 0.00010; 1000 Genomes Project 30x 0.00016; 1000 Genomes Project 0.00020.
gnomAD v4.1: 346 of 1,612,602 alleles (0.021%); highest among the groups gnomAD compares: Non-Finnish European, 0.027%; 1 homozygote.

Submissions (4):

Labcorp Genetics (formerly Invitae), Labcorp
Classification: Uncertain significance. Last evaluated: 2026-01-19. Review status: criteria provided, single submitter. Criteria: Invitae Variant Classification Sherloc (09022015). Collection method: clinical testing. Allele origin: germline.
Comment: This sequence change replaces arginine, which is basic and polar, with threonine, which is neutral and polar, at codon 2080 of the HMCN1 protein (p.Arg2080Thr). This variant is present in population databases (rs199945360, gnomAD 0.02%). This variant has not been reported in the literature in individuals affected with HMCN1-related conditions. ClinVar contains an entry for this variant (Variation ID: 294172). An algorithm developed to predict the effect of missense changes on protein structure and function (PolyPhen-2) suggests that this variant is likely to be tolerated. In summary, the available evidence is currently insufficient to determine the role of this variant in disease. Therefore, it has been classified as a Variant of Uncertain Significance.

Ambry Genetics
Classification: Uncertain significance. Last evaluated: 2025-04-17. Review status: criteria provided, single submitter. Criteria: Ambry Variant Classification Scheme 2023. Collection method: clinical testing. Allele origin: germline.

Genome-Nilou Lab
Classification: Uncertain significance for Age related macular degeneration 1. Last evaluated: 2023-04-11. Review status: criteria provided, single submitter. Criteria: ACMG Guidelines, 2015. Collection method: clinical testing. Allele origin: germline. Affected: no.

Illumina Laboratory Services, Illumina
Classification: Uncertain significance for Age related macular degeneration 1. Last evaluated: 2018-01-13. Review status: criteria provided, single submitter. Criteria: ICSL Variant Classification Criteria 13 December 2019. Collection method: clinical testing. Allele origin: germline.